The following is an entry in ClinVar:

NM_002637.4(PHKA1):c.538-20T>C

Gene: PHKA1 (phosphorylase kinase regulatory subunit alpha 1; minus strand). Cytogenetic location: Xq13.1.
Variant type: single nucleotide variant.
Coding change: c.538-20T>C on transcript NM_002637.4 (MANE Select); 20 bases into the intron before coding-DNA position 538, T replaced by C.
Molecular consequence: intron variant.
Genome position (GRCh38, 1-based): chrX:72,676,170, A>G on the plus strand (T>C on the coding strand, the complement: PHKA1 is on the minus strand). VCF-style: chrX-72676170-A-G. GRCh37 (hg19) VCF-style: chrX-71896020-A-G.
Other names: c.538-20T>C (NM_001172436.2, NM_001122670.2).
Identifiers: ClinVar variation 508841 (VCV000508841.4), dbSNP rs782786358, ClinGen allele CA10451041.

ClinVar aggregate classification (germline): Likely benign. Review status: criteria provided, multiple submitters, no conflicts (2 of 4 stars). 2 submissions from 2 submitters: Likely benign (2). Last evaluated 2025-02-10.

Conditions:
Glycogen storage disease IXd (GSD9D). Also called: Muscle Phosphorylase Kinase Deficiency; GSD IXd. Identifiers: Orphanet 715, MedGen C1845151, MONDO:0010362, OMIM 300559.

Allele frequency attached by ClinVar (database versions not stated): ExAC 0.00003; gnomAD exomes 0.00003 and 0.00004; TOPMed 0.00005; gnomAD 0.00007 and 0.00008.
gnomAD v4.1: 43 of 1,140,220 alleles (0.0038%); highest among the groups gnomAD compares: Non-Finnish European, 0.0049%; no homozygotes.

Submissions (2):

Labcorp Genetics (formerly Invitae), Labcorp
Classification: Likely benign for Glycogen storage disease IXd. Last evaluated: 2025-02-10. Review status: criteria provided, single submitter. Criteria: Invitae Variant Classification Sherloc (09022015). Collection method: clinical testing. Allele origin: germline.

GeneDx
Classification: Likely benign. Last evaluated: 2017-04-21. Review status: criteria provided, single submitter. Criteria: GeneDx Variant Classification (06012015). Collection method: clinical testing. Allele origin: germline. Affected: yes.
Comment: This variant is considered likely benign or benign based on one or more of the following criteria: it is a conservative change, it occurs at a poorly conserved position in the protein, it is predicted to be benign by multiple in silico algorithms, and/or has population frequency not consistent with disease.